The following is an entry in ClinVar:

NM_000091.5(COL4A3):c.4756-9T>C

Genes: COL4A3 (collagen type IV alpha 3 chain; plus strand), MFF-DT (MFF divergent transcript; minus strand). Cytogenetic location: 2q36.3.
Variant type: single nucleotide variant.
Coding change: c.4756-9T>C on transcript NM_000091.5 (MANE Select); 9 bases into the intron before coding-DNA position 4756, T replaced by C.
Molecular consequence: intron variant.
Genome position (GRCh38, 1-based): chr2:227,310,767, T>C. VCF-style: chr2-227310767-T-C. GRCh37 (hg19) VCF-style: chr2-228175483-T-C.
Other names: c.4756-9T>C (NM_000091.4).
Identifiers: ClinVar variation 2147297 (VCV002147297.6), dbSNP rs769821947, ClinGen allele CA2147643.

ClinVar aggregate classification (germline): Likely benign. Review status: criteria provided, single submitter (1 of 4 stars). 2 submissions from 2 submitters: Likely benign (1). 1 of the submissions does not count toward it. Last evaluated 2025-10-03.

Conditions:
COL4A3-related disorder. Also called: COL4A3-related condition; COL4A3-Related Disorders.

Allele frequency attached by ClinVar (database versions not stated): ExAC 0.00001; gnomAD 0.00001; gnomAD exomes 0.00001; TOPMed 0.00001.
gnomAD v4.1: 21 of 1,613,368 alleles (0.0013%); highest among the groups gnomAD compares: Admixed American, 0.0017%; no homozygotes.

Submissions (2):

Labcorp Genetics (formerly Invitae), Labcorp
Classification: Likely benign. Last evaluated: 2025-10-03. Review status: criteria provided, single submitter. Criteria: Invitae Variant Classification Sherloc (09022015). Collection method: clinical testing. Allele origin: germline.

PreventionGenetics, part of Exact Sciences
Classification: Likely benign for COL4A3-related condition. Last evaluated: 2022-01-19. Review status: no assertion criteria provided. Collection method: clinical testing. Allele origin: germline. Not counted in ClinVar's aggregate classification.
Comment: This variant is classified as likely benign based on ACMG/AMP sequence variant interpretation guidelines (Richards et al. 2015 PMID: 25741868, with internal and published modifications).